The following is an entry in ClinVar:

ClinVar aggregate classification (germline): Likely benign. Review status: criteria provided, multiple submitters, no conflicts (2 of 4 stars). 8 submissions from 8 submitters: Likely benign (6). 2 of the submissions do not count toward it. Last evaluated 2026-02-07.

Conditions:
Cardiomyopathy (CMYO). Also called: Cardiomyopathies. Identifiers: Orphanet 167848, MedGen C0878544, MONDO:0004994, HP:0001638. Inheritance: Various modes of inheritance.
Cardiovascular phenotype. Identifiers: MedGen CN230736.
Arrhythmogenic right ventricular dysplasia 5. Also called: Arrhythmogenic Right Ventricular Dysplasia/Cardiomyopathy 5; ARRHYTHMOGENIC RIGHT VENTRICULAR DYSPLASIA, FAMILIAL, 5. Identifiers: MedGen C1858379, MONDO:0011459, OMIM 604400.

Allele frequency attached by ClinVar (database versions not stated): gnomAD 0.00001 and 0.00002; gnomAD exomes 0.00001 and 0.00003; TOPMed 0.00002.
gnomAD v4.1: 48 of 1,614,080 alleles (0.003%); highest among the groups gnomAD compares: Non-Finnish European, 0.004%; no homozygotes.

Submissions (8):

Women's Health and Genetics/Laboratory Corporation of America, LabCorp
Classification: Likely benign. Last evaluated: 2026-02-07. Review status: criteria provided, single submitter. Criteria: LabCorp Variant Classification Summary - May 2015. Collection method: clinical testing. Allele origin: germline.

Labcorp Genetics (formerly Invitae), Labcorp
Classification: Likely benign for Arrhythmogenic right ventricular dysplasia 5. Last evaluated: 2026-01-15. Review status: criteria provided, single submitter. Criteria: Invitae Variant Classification Sherloc (09022015). Collection method: clinical testing. Allele origin: germline.

All of Us Research Program, National Institutes of Health
Classification: Likely benign for Arrhythmogenic right ventricular dysplasia 5. Last evaluated: 2023-12-13. Review status: criteria provided, single submitter. Criteria: ACMG Guidelines, 2015. Collection method: clinical testing. Allele origin: germline. Inheritance: Autosomal dominant inheritance. Observed: 9 variant alleles, 9 heterozygotes.
Comment: This study involves interpretation of variants in research participants for the purpose of population health screening. Participant phenotype was not available at the time of variant classification. Additional details can be found in publication PMID: 35346344, PMCID: PMC8962531

Ambry Genetics
Classification: Likely benign for Cardiovascular phenotype. Last evaluated: 2020-06-29. Review status: criteria provided, single submitter. Criteria: Ambry Variant Classification Scheme 2023. Collection method: clinical testing. Allele origin: germline.

Color Diagnostics, LLC DBA Color Health
Classification: Likely benign for Cardiomyopathy. Last evaluated: 2019-05-13. Review status: criteria provided, single submitter. Criteria: ACMG Guidelines, 2015. Collection method: clinical testing. Allele origin: germline.

GeneDx
Classification: Likely benign. Last evaluated: 2018-10-29. Review status: criteria provided, single submitter. Criteria: GeneDx Variant Classification Process June 2021. Collection method: clinical testing. Allele origin: germline. Affected: yes.

Clinical Genetics DNA and cytogenetics Diagnostics Lab, Erasmus MC, Erasmus Medical Center
Classification: Likely benign. Review status: no assertion criteria provided. Collection method: clinical testing. Allele origin: germline. Affected: yes. Study: VKGL Data-share Consensus. Not counted in ClinVar's aggregate classification.

Joint Genome Diagnostic Labs from Nijmegen and Maastricht, Radboudumc and MUMC+
Classification: Likely benign. Review status: no assertion criteria provided. Collection method: clinical testing. Allele origin: germline. Affected: yes. Study: VKGL Data-share Consensus. Not counted in ClinVar's aggregate classification.

NM_024334.3(TMEM43):c.1140C>T (p.Ala380=)

Gene: TMEM43 (transmembrane protein 43; plus strand). Cytogenetic location: 3p25.1.
Variant type: single nucleotide variant.
Coding change: c.1140C>T on transcript NM_024334.3 (MANE Select); coding-DNA position 1140, C replaced by T.
Protein change: p.Ala380=; no amino-acid change (alanine 380 retained).
Molecular consequence: synonymous variant.
Genome position (GRCh38, 1-based): chr3:14,141,732, C>T. VCF-style: chr3-14141732-C-T. GRCh37 (hg19) VCF-style: chr3-14183232-C-T.
Identifiers: ClinVar variation 924448 (VCV000924448.19), dbSNP rs1055842863, ClinGen allele CA69738216.
Genomic context (GRCh38, chr3:14,141,732, plus strand): 5'-CCTGCTGACCGTGGCGGCTGGCTGGCTCTTCTACCGACCCCTGTGGGCCCTCCTCATTGC[C>T]GGCCTGGCCCTTGTGCCCATCCTTGTTGCTCGGACACGGGTGCCAGCCAAAAAGTTGGAG-3'
Protein context (NP_077310.1, residues 370-390): FYRPLWALLI[Ala380=]GLALVPILVA